The following is an entry in ClinVar:

ClinVar aggregate classification (germline): Uncertain significance. Review status: criteria provided, multiple submitters, no conflicts (2 of 4 stars). 2 submissions from 2 submitters: Uncertain significance (2). Last evaluated 2021-12-19.

Conditions:
Inborn genetic diseases. Identifiers: MedGen C0950123, MeSH D030342.

Allele frequency attached by ClinVar (database versions not stated): gnomAD exomes below 0.00001; TOPMed below 0.00001; ExAC 0.00001.
gnomAD v4.1: 8 of 1,614,012 alleles (0.0005%); highest among the groups gnomAD compares: Middle Eastern, 0.017%; no homozygotes.

Submissions (2):

Labcorp Genetics (formerly Invitae), Labcorp
Classification: Uncertain significance. Last evaluated: 2021-12-19. Review status: criteria provided, single submitter. Criteria: Invitae Variant Classification Sherloc (09022015). Collection method: clinical testing. Allele origin: germline.
Comment: This sequence change replaces asparagine, which is neutral and polar, with lysine, which is basic and polar, at codon 37 of the PEPD protein (p.Asn37Lys). This variant is present in population databases (rs765289799, gnomAD 0.0009%). This variant has not been reported in the literature in individuals affected with PEPD-related conditions. Algorithms developed to predict the effect of missense changes on protein structure and function are either unavailable or do not agree on the potential impact of this missense change (SIFT: "Deleterious"; PolyPhen-2: "Benign"; Align-GVGD: "Class C0"). In summary, the available evidence is currently insufficient to determine the role of this variant in disease. Therefore, it has been classified as a Variant of Uncertain Significance.

Ambry Genetics
Classification: Uncertain significance for Inborn genetic diseases. Last evaluated: 2021-02-22. Review status: criteria provided, single submitter. Criteria: Ambry Variant Classification Scheme 2023. Collection method: clinical testing. Allele origin: germline.
Comment: The c.111C>A (p.N37K) alteration is located in exon 2 (coding exon 2) of the PEPD gene. This alteration results from a C to A substitution at nucleotide position 111, causing the asparagine (N) at amino acid position 37 to be replaced by a lysine (K). The p.N37K alteration is predicted to be tolerated by in silico analysis. Based on insufficient or conflicting evidence, the clinical significance of this alteration remains unclear.

NM_000285.4(PEPD):c.111C>A (p.Asn37Lys)

Gene: PEPD (peptidase D; minus strand). Cytogenetic location: 19q13.11.
Variant type: single nucleotide variant.
Coding change: c.111C>A on transcript NM_000285.4 (MANE Select); coding-DNA position 111, C replaced by A.
Protein change: p.Asn37Lys; replaces asparagine 37 with lysine.
Molecular consequence: missense variant.
Genome position (GRCh38, 1-based): chr19:33,512,683, G>T on the plus strand (C>A on the coding strand, the complement: PEPD is on the minus strand). VCF-style: chr19-33512683-G-T. GRCh37 (hg19) VCF-style: chr19-34003589-G-T.
Other names: c.111C>A, p.Asn37Lys (NM_001166056.2, NM_001166057.2); c.111C>A (NM_000285.3); short protein forms N37K.
Identifiers: ClinVar variation 1410810 (VCV001410810.4), dbSNP rs765289799, ClinGen allele CA9364490.
Genomic context (GRCh38, chr19:33,512,683, plus strand): 5'-GTAGCGCTGAGTCTCCTCCCCGCCCTGCAGGACCACGATGGAGCCGGCCTGCACAGCAGG[G>T]TTCTTCCGCAGCCGCTCACACAGGCGCTGCCGGTTCAAGGCAAAGAGCGCCAGCGGCACC-3'
Protein context (NP_000276.2, residues 27-47): RQRLCERLRK[Asn37Lys]PAVQAGSIVV